The following is an entry in ClinVar:

NM_017950.4(CCDC40):c.855+1G>A

Gene: CCDC40 (coiled-coil domain 40 molecular ruler complex subunit; plus strand). Cytogenetic location: 17q25.3.
Variant type: single nucleotide variant.
Coding change: c.855+1G>A on transcript NM_017950.4 (MANE Select); the canonical splice donor site of the intron after coding-DNA position 855, G replaced by A.
Molecular consequence: splice donor variant.
Genome position (GRCh38, 1-based): chr17:80,048,762, G>A. VCF-style: chr17-80048762-G-A. GRCh37 (hg19) VCF-style: chr17-78022561-G-A.
Other names: c.855+1G>A (NM_001243342.2, NM_001330508.2).
Identifiers: ClinVar variation 578358 (VCV000578358.48), dbSNP rs1346603171, ClinGen allele CA401354453.

ClinVar aggregate classification (germline): Pathogenic/Likely pathogenic. Review status: criteria provided, multiple submitters, no conflicts (2 of 4 stars). 2 submissions from 2 submitters: Pathogenic (1); Likely pathogenic (1). Last evaluated 2024-06-26.

Conditions:
Primary ciliary dyskinesia. Also called: Ciliary dyskinesia. Identifiers: Orphanet 244, MedGen C0008780, MONDO:0016575, HP:0012265.

Allele frequency attached by ClinVar (database versions not stated): gnomAD exomes below 0.00001; TOPMed 0.00002.
gnomAD v4.1: 4 of 1,606,336 alleles (0.00025%); highest among the groups gnomAD compares: Admixed American, 0.0017%; no homozygotes.

Submissions (2):

Labcorp Genetics (formerly Invitae), Labcorp
Classification: Likely pathogenic for Primary ciliary dyskinesia. Last evaluated: 2024-06-26. Review status: criteria provided, single submitter. Criteria: Invitae Variant Classification Sherloc (09022015). Collection method: clinical testing. Allele origin: germline.
Comment: This sequence change affects a donor splice site in intron 5 of the CCDC40 gene. It is expected to disrupt RNA splicing. Variants that disrupt the donor or acceptor splice site typically lead to a loss of protein function (PMID: 16199547), and loss-of-function variants in CCDC40 are known to be pathogenic (PMID: 21131974, 22693285, 23255504). The frequency data for this variant in the population databases is considered unreliable, as metrics indicate poor data quality at this position in the gnomAD database. This variant has not been reported in the literature in individuals affected with CCDC40-related conditions. ClinVar contains an entry for this variant (Variation ID: 578358). Algorithms developed to predict the effect of sequence changes on RNA splicing suggest that this variant may disrupt the consensus splice site. In summary, the currently available evidence indicates that the variant is pathogenic, but additional data are needed to prove that conclusively. Therefore, this variant has been classified as Likely Pathogenic.

CeGaT Center for Human Genetics Tuebingen
Classification: Pathogenic. Last evaluated: 2018-11-01. Review status: criteria provided, single submitter. Criteria: CeGaT Center For Human Genetics Tuebingen Variant Classification Criteria Version 2. Collection method: clinical testing. Allele origin: germline. Affected: yes. Observed: 1 variant allele.

Literature cited by the submitters: PubMed 16199547 (cited by Labcorp Genetics (formerly Invitae), Labcorp); PubMed 21131974 (cited by Labcorp Genetics (formerly Invitae), Labcorp); PubMed 22693285 (cited by Labcorp Genetics (formerly Invitae), Labcorp); PubMed 23255504 (cited by Labcorp Genetics (formerly Invitae), Labcorp).